The following is an entry in ClinVar:

ClinVar aggregate classification (germline): Uncertain significance (1 of 4 stars; one submission).

Submission:

Kariminejad - Najmabadi Pathology & Genetics Center
Classification: Uncertain significance. Last evaluated: 2021-12-20. Review status: criteria provided, single submitter. Criteria: ACMG Guidelines, 2015. Collection method: clinical testing. Allele origin: germline. Inheritance: Autosomal dominant inheritance. Affected: yes.
Comment: PM2, PM1, PP2

NM_007375.4(TARDBP):c.1163C>T (p.Ala388Val)

Gene: TARDBP (TAR DNA binding protein; plus strand). Cytogenetic location: 1p36.22.
Variant type: single nucleotide variant.
Coding change: c.1163C>T on transcript NM_007375.4 (MANE Select); coding-DNA position 1163, C replaced by T.
Protein change: p.Ala388Val; replaces alanine 388 with valine.
Molecular consequence: missense variant.
Genome position (GRCh38, 1-based): chr1:11,022,572, C>T. VCF-style: chr1-11022572-C-T. GRCh37 (hg19) VCF-style: chr1-11082629-C-T.
Other names: short protein forms A388V.
Identifiers: ClinVar variation 3897038 (VCV003897038.1).
Genomic context (GRCh38, chr1:11,022,572, plus strand): 5'-GTTCTGGAAATAACTCTTATAGTGGCTCTAATTCTGGTGCAGCAATTGGTTGGGGATCAG[C>T]ATCCAATGCAGGGTCGGGCAGTGGTTTTAATGGAGGCTTTGGCTCAAGCATGGATTCTAA-3'
Protein context (NP_031401.1, residues 378-398): NSGAAIGWGS[Ala388Val]SNAGSGSGFN